The following is an entry in ClinVar:

ClinVar aggregate classification (germline): Uncertain significance. Review status: criteria provided, single submitter (1 of 4 stars). 2 submissions from 2 submitters: Uncertain significance (1). 1 of the submissions does not count toward it. Last evaluated 2023-04-22.

Conditions:
Gingival disorder. Also called: Gingival disease. Identifiers: MedGen C0017563, MONDO:0002021.
FPR1-related disorder. Also called: FPR1-related condition.

Allele frequency attached by ClinVar (database versions not stated): gnomAD 0.00001; ExAC 0.00002; TOPMed 0.00002; gnomAD exomes 0.00004.
gnomAD v4.1: 59 of 1,613,996 alleles (0.0037%); highest among the groups gnomAD compares: Non-Finnish European, 0.0049%; no homozygotes.

Submissions (2):

Labcorp Genetics (formerly Invitae), Labcorp
Classification: Uncertain significance for Gingival disorder. Last evaluated: 2023-04-22. Review status: criteria provided, single submitter. Criteria: Invitae Variant Classification Sherloc (09022015). Collection method: clinical testing. Allele origin: germline.
Comment: In summary, the available evidence is currently insufficient to determine the role of this variant in disease. Therefore, it has been classified as a Variant of Uncertain Significance. Algorithms developed to predict the effect of missense changes on protein structure and function output the following: SIFT: "Not Available"; PolyPhen-2: "Benign"; Align-GVGD: "Not Available". The valine amino acid residue is found in multiple mammalian species, which suggests that this missense change does not adversely affect protein function. This variant has not been reported in the literature in individuals affected with FPR1-related conditions. This variant is present in population databases (rs781400810, gnomAD 0.007%). This sequence change replaces alanine, which is neutral and non-polar, with valine, which is neutral and non-polar, at codon 175 of the FPR1 protein (p.Ala175Val).

PreventionGenetics, part of Exact Sciences
Classification: Uncertain significance for FPR1-related condition. Last evaluated: 2024-04-18. Review status: no assertion criteria provided. Collection method: clinical testing. Allele origin: germline. Not counted in ClinVar's aggregate classification.
Comment: The FPR1 c.524C>T variant is predicted to result in the amino acid substitution p.Ala175Val. To our knowledge, this variant has not been reported in the literature. This variant is reported in 0.0062% of alleles in individuals of African descent in gnomAD. At this time, the clinical significance of this variant is uncertain due to the absence of conclusive functional and genetic evidence.

NM_002029.4(FPR1):c.524C>T (p.Ala175Val)

Gene: FPR1 (formyl peptide receptor 1; minus strand). Cytogenetic location: 19q13.41.
Variant type: single nucleotide variant.
Coding change: c.524C>T on transcript NM_002029.4 (MANE Select); coding-DNA position 524, C replaced by T.
Protein change: p.Ala175Val; replaces alanine 175 with valine.
Molecular consequence: missense variant.
Genome position (GRCh38, 1-based): chr19:51,746,471, G>A on the plus strand (C>T on the coding strand, the complement: FPR1 is on the minus strand). VCF-style: chr19-51746471-G-A. GRCh37 (hg19) VCF-style: chr19-52249724-G-A.
Other names: c.524C>T, p.Ala175Val (NM_001193306.2); short protein forms A175V.
Identifiers: ClinVar variation 2914038 (VCV002914038.4), dbSNP rs781400810, ClinGen allele CA9616445.